The following is an entry in ClinVar:

NM_177939.3(P4HTM):c.534G>A (p.Glu178=)

Gene: P4HTM (prolyl 4-hydroxylase, transmembrane; plus strand). Cytogenetic location: 3p21.31.
Variant type: single nucleotide variant.
Coding change: c.534G>A on transcript NM_177939.3 (MANE Select); coding-DNA position 534, G replaced by A.
Protein change: p.Glu178=; no amino-acid change (glutamic acid 178 retained).
Molecular consequence: synonymous variant.
Genome position (GRCh38, 1-based): chr3:49,001,535, G>A. VCF-style: chr3-49001535-G-A. GRCh37 (hg19) VCF-style: chr3-49038968-G-A.
Other names: c.534G>A, p.Glu178= (NM_177938.2).
Identifiers: ClinVar variation 2653808 (VCV002653808.24), dbSNP rs776980169, ClinGen allele CA2388268.

ClinVar aggregate classification (germline): Likely benign (1 of 4 stars; one submission).

Allele frequency attached by ClinVar (database versions not stated): gnomAD 0.00007; ExAC 0.00010; TOPMed 0.00010; gnomAD exomes 0.00011.

Submission:

CeGaT Center for Human Genetics Tuebingen
Classification: Likely benign. Last evaluated: 2024-01-01. Review status: criteria provided, single submitter. Criteria: CeGaT Center For Human Genetics Tuebingen Variant Classification Criteria Version 2. Collection method: clinical testing. Allele origin: germline. Affected: yes. Observed: 2 variant alleles.
Comment: P4HTM: BP4, BP7